The following is an entry in ClinVar:

NM_000447.3(PSEN2):c.716T>C (p.Met239Thr)

Gene: PSEN2 (presenilin 2; plus strand). Cytogenetic location: 1q42.13.
Variant type: single nucleotide variant.
Coding change: c.716T>C on transcript NM_000447.3 (MANE Select); coding-DNA position 716, T replaced by C.
Protein change: p.Met239Thr; replaces methionine 239 with threonine.
Molecular consequence: missense variant.
Genome position (GRCh38, 1-based): chr1:226,888,978, T>C. VCF-style: chr1-226888978-T-C. GRCh37 (hg19) VCF-style: chr1-227076679-T-C.
Other names: c.716T>C, p.Met239Thr (NM_001437537.1, NM_012486.3); short protein forms M239T.
Identifiers: ClinVar variation 5019948 (VCV005019948.2).

ClinVar aggregate classification (germline): Likely pathogenic (1 of 4 stars; one submission).

Conditions:
Alzheimer disease 4 (AD4). Identifiers: Orphanet 1020, MedGen C1847200, MONDO:0011743, OMIM 606889.
Dilated cardiomyopathy 1V (CMD1V). Identifiers: Orphanet 154, MedGen C3150958, MONDO:0013373, OMIM 613697.

Submission:

Juno Genomics, Hangzhou Juno Genomics, Inc
Classification: Likely pathogenic for Alzheimer disease 4; Dilated cardiomyopathy 1V. Review status: criteria provided, single submitter. Criteria: ACMG Guidelines, 2015. Collection method: clinical testing. Allele origin: germline.
Comment: Absent from controls (or at extremely low frequency if recessive) in Genome Aggregation Database.;Multiple lines of computational evidence support a deleterious effect on the gene or gene product.;The prevalence of the variant in affected individuals is significantly increased compared to the prevalence in controls.;Novel missense change at an amino acid residue where a different missense change determined to be pathogenic has been seen before.